The following is an entry in ClinVar:

NM_001386140.1(MTTP):c.*506A>G

Gene: MTTP (microsomal triglyceride transfer protein; plus strand). Cytogenetic location: 4q23.
Variant type: single nucleotide variant.
Coding change: c.*506A>G on transcript NM_001386140.1 (MANE Select); 506 bases downstream of the stop codon, A replaced by G.
Molecular consequence: 3 prime UTR variant.
Genome position (GRCh38, 1-based): chr4:99,623,354, A>G. VCF-style: chr4-99623354-A-G. GRCh37 (hg19) VCF-style: chr4-100544511-A-G.
Other names: c.*506A>G (NM_000253.4, NM_001300785.2).
Identifiers: ClinVar variation 347056 (VCV000347056.6), dbSNP rs6832119, ClinGen allele CA10622095.
Genomic context (GRCh38, chr4:99,623,354, plus strand): 5'-AAAAAAAAAGTAAGACACAAACAAACCATTTTTTTTCTCTTTTTTTGGAGTTGGGGGCCC[A>G]GGGAGAAGGGACAAGACTTTTAAAAGACTTGTTAGCCAACTTCAAGAATTAATATTTATG-3'

ClinVar aggregate classification (germline): Benign. Review status: criteria provided, multiple submitters, no conflicts (2 of 4 stars). 2 submissions from 2 submitters: Benign (2). Last evaluated 2018-01-13.

Conditions:
Abetalipoproteinaemia (ABL). Also called: MTP DEFICIENCY; Abetalipoproteinemia; Abetalipoproteinemia neuropathy; Apolipoprotein B deficiency; Congenital betalipoprotein deficiency syndrome. Identifiers: Orphanet 14, MedGen C0000744, MONDO:0008692, OMIM 200100, HP:0008181.

Allele frequency attached by ClinVar (database versions not stated): 1000 Genomes Project 30x 0.05059; 1000 Genomes Project 0.05072; gnomAD exomes 0.05756; gnomAD 0.07990 and 0.08272; TOPMed 0.08202.
gnomAD v4.1: 12,888 of 162,478 alleles (7.9%); highest among the groups gnomAD compares: Middle Eastern, 9.8%; 580 homozygotes.

Submissions (2):

Illumina Laboratory Services, Illumina
Classification: Benign for Abetalipoproteinaemia. Last evaluated: 2018-01-13. Review status: criteria provided, single submitter. Criteria: ICSL Variant Classification Criteria 13 December 2019. Collection method: clinical testing. Allele origin: germline.
Comment: This variant was observed in the ICSL laboratory as part of a predisposition screen in an ostensibly healthy population. It had not been previously curated by ICSL or reported in the Human Gene Mutation Database (HGMD: prior to June 1st, 2018), and was therefore a candidate for classification through an automated scoring system. Utilizing variant allele frequency, disease prevalence and penetrance estimates, and inheritance mode, an automated score was calculated to assess if this variant is too frequent to cause the disease. Based on the score and internal cut-off values, a variant classified as benign is not then subjected to further curation. The score for this variant resulted in a classification of benign for this disease.

Breakthrough Genomics
Classification: Benign. Review status: criteria provided, single submitter. Criteria: ACMG Guidelines, 2015. Collection method: not provided. Allele origin: germline. Inheritance: Autosomal recessive inheritance. Affected: yes.